The following is an entry in ClinVar:

ClinVar aggregate classification (germline): Uncertain significance (1 of 4 stars; one submission).

Conditions:
PKHD1-related disorder. Also called: PKHD1-related condition.

gnomAD v4.1: 2 of 1,608,840 alleles (0.00012%); highest among the groups gnomAD compares: Non-Finnish European, 0.00017%; no homozygotes.

Submission:

PreventionGenetics, part of Exact Sciences
Classification: Uncertain significance for PKHD1-related condition. Last evaluated: 2025-10-15. Review status: criteria provided, single submitter. Criteria: ACMG Guidelines, 2015. Collection method: clinical testing. Allele origin: germline.
Comment: The PKHD1 c.7799T>G variant is predicted to result in the amino acid substitution p.Val2600Gly. To our knowledge, this variant has not been reported in the literature or in a large population database (gnomAD), indicating this variant is rare. At this time, the clinical significance of this variant is uncertain due to the absence of conclusive functional and genetic evidence.

NM_138694.4(PKHD1):c.7799T>G (p.Val2600Gly)

Gene: PKHD1 (PKHD1 ciliary IPT domain containing fibrocystin/polyductin; minus strand). Cytogenetic location: 6p12.2.
Variant type: single nucleotide variant.
Coding change: c.7799T>G on transcript NM_138694.4 (MANE Select); coding-DNA position 7799, T replaced by G.
Protein change: p.Val2600Gly; replaces valine 2600 with glycine.
Molecular consequence: missense variant.
Genome position (GRCh38, 1-based): chr6:51,856,005, A>C on the plus strand (T>G on the coding strand, the complement: PKHD1 is on the minus strand). VCF-style: chr6-51856005-A-C. GRCh37 (hg19) VCF-style: chr6-51720803-A-C.
Other names: c.7799T>G, p.Val2600Gly (NM_170724.3); short protein forms V2600G.
Identifiers: ClinVar variation 4988125 (VCV004988125.1).